The following is an entry in ClinVar:

ClinVar aggregate classification (germline): Uncertain significance. Review status: criteria provided, multiple submitters, no conflicts (2 of 4 stars). 2 submissions from 2 submitters: Uncertain significance (2). Last evaluated 2023-04-06.

Submissions (2):

GeneDx
Classification: Uncertain significance. Last evaluated: 2023-04-06. Review status: criteria provided, single submitter. Criteria: GeneDx Variant Classification Process June 2021. Collection method: clinical testing. Allele origin: germline. Affected: yes.
Comment: Has not been previously published as pathogenic or benign to our knowledge; Not observed in large population cohorts (gnomAD); In silico analysis supports that this missense variant does not alter protein structure/function

Labcorp Genetics (formerly Invitae), Labcorp
Classification: Uncertain significance. Last evaluated: 2023-02-14. Review status: criteria provided, single submitter. Criteria: Invitae Variant Classification Sherloc (09022015). Collection method: clinical testing. Allele origin: germline.
Comment: This sequence change replaces serine, which is neutral and polar, with proline, which is neutral and non-polar, at codon 686 of the COL11A2 protein (p.Ser686Pro). This variant is not present in population databases (gnomAD no frequency). This variant has not been reported in the literature in individuals affected with COL11A2-related conditions. ClinVar contains an entry for this variant (Variation ID: 1312607). Advanced modeling of protein sequence and biophysical properties (such as structural, functional, and spatial information, amino acid conservation, physicochemical variation, residue mobility, and thermodynamic stability) performed at Invitae indicates that this missense variant is not expected to disrupt COL11A2 protein function. In summary, the available evidence is currently insufficient to determine the role of this variant in disease. Therefore, it has been classified as a Variant of Uncertain Significance.

NM_080680.3(COL11A2):c.2056T>C (p.Ser686Pro)

Gene: COL11A2 (collagen type XI alpha 2 chain; minus strand). Cytogenetic location: 6p21.32.
Variant type: single nucleotide variant.
Coding change: c.2056T>C on transcript NM_080680.3 (MANE Select); coding-DNA position 2056, T replaced by C.
Protein change: p.Ser686Pro; replaces serine 686 with proline.
Molecular consequence: missense variant.
Genome position (GRCh38, 1-based): chr6:33,177,006, A>G on the plus strand (T>C on the coding strand, the complement: COL11A2 is on the minus strand). VCF-style: chr6-33177006-A-G. GRCh37 (hg19) VCF-style: chr6-33144783-A-G.
Other names: c.1735T>C, p.Ser579Pro (NM_080679.3); c.1798T>C, p.Ser600Pro (NM_080681.3); short protein forms S579P, S600P, S686P.
Identifiers: ClinVar variation 1312607 (VCV001312607.7), dbSNP rs2150571106, ClinGen allele CA363651581.